The following is an entry in ClinVar:

ClinVar aggregate classification (germline): Uncertain significance. Review status: criteria provided, multiple submitters, no conflicts (2 of 4 stars). 3 submissions from 3 submitters: Uncertain significance (3). Last evaluated 2026-06-10.

Conditions:
VCL-related disorder. Also called: VCL-related condition.
Cardiovascular phenotype. Identifiers: MedGen CN230736.
Dilated cardiomyopathy 1W (CMD1W). Identifiers: Orphanet 154, MedGen C1969639, MONDO:0012667, OMIM 611407.

Allele frequency attached by ClinVar (database versions not stated): gnomAD 0.00001; TOPMed 0.00002; gnomAD exomes below 0.00001.
gnomAD v4.1: 5 of 1,613,982 alleles (0.00031%); highest among the groups gnomAD compares: Admixed American, 0.0033%; no homozygotes.

Submissions (3):

PreventionGenetics, part of Exact Sciences
Classification: Uncertain significance for VCL-related condition. Last evaluated: 2026-06-10. Review status: criteria provided, single submitter. Criteria: ACMG Guidelines, 2015. Collection method: clinical testing. Allele origin: germline.
Comment: The VCL c.581C>T variant is predicted to result in the amino acid substitution p.Ser194Leu. To our knowledge, this variant has not been reported in the literature or in a large population database (gnomAD), indicating this variant is rare. At this time, the clinical significance of this variant is uncertain due to the absence of conclusive functional and genetic evidence.

Labcorp Genetics (formerly Invitae), Labcorp
Classification: Uncertain significance for Dilated cardiomyopathy 1W. Last evaluated: 2025-09-16. Review status: criteria provided, single submitter. Criteria: Invitae Variant Classification Sherloc (09022015). Collection method: clinical testing. Allele origin: germline.
Comment: This sequence change replaces serine, which is neutral and polar, with leucine, which is neutral and non-polar, at codon 194 of the VCL protein (p.Ser194Leu). This variant is not present in population databases (gnomAD no frequency). This variant has not been reported in the literature in individuals affected with VCL-related conditions. ClinVar contains an entry for this variant (Variation ID: 1043964). An algorithm developed to predict the effect of missense changes on protein structure and function (PolyPhen-2) suggests that this variant is likely to be disruptive. In summary, the available evidence is currently insufficient to determine the role of this variant in disease. Therefore, it has been classified as a Variant of Uncertain Significance.

Ambry Genetics
Classification: Uncertain significance for Cardiovascular phenotype. Last evaluated: 2024-10-06. Review status: criteria provided, single submitter. Criteria: Ambry Variant Classification Scheme 2023. Collection method: clinical testing. Allele origin: germline.

NM_014000.3(VCL):c.581C>T (p.Ser194Leu)

Gene: VCL (vinculin; plus strand). Cytogenetic location: 10q22.2.
Variant type: single nucleotide variant.
Coding change: c.581C>T on transcript NM_014000.3 (MANE Select); coding-DNA position 581, C replaced by T.
Protein change: p.Ser194Leu; replaces serine 194 with leucine.
Molecular consequence: missense variant.
Genome position (GRCh38, 1-based): chr10:74,072,811, C>T. VCF-style: chr10-74072811-C-T. GRCh37 (hg19) VCF-style: chr10-75832569-C-T.
Other names: c.581C>T, p.Ser194Leu (NM_003373.4); short protein forms S194L.
Identifiers: ClinVar variation 1043964 (VCV001043964.10), dbSNP rs921627346, ClinGen allele CA209693155.